The following is an entry in ClinVar:

NM_001267550.2(TTN):c.39144dup (p.Glu13049Argfs)

Gene: TTN (titin; minus strand). Cytogenetic location: 2q31.2.
Variant type: Duplication.
Coding change: c.39144dup on transcript NM_001267550.2 (MANE Select); coding-DNA position 39144, one base duplicated (A; older notation c.39144dupA).
Protein change: p.Glu13049Argfs; shifts the reading frame from glutamic acid 13049.
Molecular consequence: frameshift variant. On other transcripts: intron variant (3).
Genome position (GRCh38, 1-based): chr2:178,652,331, T duplicated on the plus strand (A on the coding strand, the reverse complement: TTN is on the minus strand); the first of 3 consecutive T bases (chr2:178,652,331-178,652,333); duplicating any one gives the same sequence. VCF-style (leftmost placement, unchanged base first): chr2-178652330-C-CT. GRCh37 (hg19) VCF-style: chr2-179517057-C-CT.
Other names: c.34623dup, p.Glu11542fs (NM_001256850.1); c.31842dup, p.Glu10615fs (NM_133378.4); c.13283-10016dup (NM_003319.4); c.13859-10016dup (NM_133437.4); c.13658-10016dup (NM_133432.3); c.39144dup (NM_001267550.1); short protein forms E10615fs, E11542fs, E13049fs.
Identifiers: ClinVar variation 502156 (VCV000502156.6), dbSNP rs1553771661, ClinGen allele CA658796088.

ClinVar aggregate classification (germline): Uncertain significance. Review status: criteria provided, multiple submitters, no conflicts (2 of 4 stars). 2 submissions from 2 submitters: Uncertain significance (2). Last evaluated 2023-03-21.

Submissions (2):

GeneDx
Classification: Uncertain significance. Last evaluated: 2023-03-21. Review status: criteria provided, single submitter. Criteria: GeneDx Variant Classification Process June 2021. Collection method: clinical testing. Allele origin: germline. Affected: yes.
Comment: Not observed at significant frequency in large population cohorts (gnomAD); Frameshift variant predicted to result in protein truncation or nonsense mediated decay in a gene or region of a gene for which loss of function is not a well-established mechanism of disease; Has not been previously published as pathogenic or benign to our knowledge

Eurofins Ntd Llc (ga)
Classification: Uncertain significance. Last evaluated: 2017-05-25. Review status: criteria provided, single submitter. Criteria: EGL Classification Definitions 2015. Collection method: clinical testing. Allele origin: germline. Observed: 1 variant allele, 1 heterozygote.